The following is an entry in ClinVar:

NM_000179.3(MSH6):c.1662T>A (p.Arg554=)

Gene: MSH6 (mutS homolog 6; plus strand). Cytogenetic location: 2p16.3.
Variant type: single nucleotide variant.
Coding change: c.1662T>A on transcript NM_000179.3 (MANE Select); coding-DNA position 1662, T replaced by A.
Protein change: p.Arg554=; no amino-acid change (arginine 554 retained).
Molecular consequence: synonymous variant.
Genome position (GRCh38, 1-based): chr2:47,799,645, T>A. VCF-style: chr2-47799645-T-A. GRCh37 (hg19) VCF-style: chr2-48026784-T-A.
Other names: c.1272T>A, p.Arg424= (NM_001281492.2); c.756T>A, p.Arg252= (NM_001281493.2, NM_001281494.2).
Identifiers: ClinVar variation 1149844 (VCV001149844.12), dbSNP rs2104359231, ClinGen allele CA426121474.
Genomic context (GRCh38, chr2:47,799,645, plus strand): 5'-CTACAGTAAGTATCTTCTTAGCCTCAAAGAAAAAGAGGAAGATTCTTCTGGCCATACTCG[T>A]GCATATGGTGTGTGCTTTGTTGATACTTCACTGGGAAAGTTTTTCATAGGTCAGTTTTCA-3'
Protein context (NP_000170.1, residues 544-564): EKEEDSSGHT[Arg554=]AYGVCFVDTS

ClinVar aggregate classification (germline): Benign/Likely benign. Review status: criteria provided, multiple submitters, no conflicts (2 of 4 stars). 3 submissions from 3 submitters: Benign (1); Likely benign (2). Last evaluated 2025-11-03.

Conditions:
Hereditary nonpolyposis colorectal neoplasms. Identifiers: MedGen C0009405, MeSH D003123.
Lynch syndrome 5 (LYNCH5). Also called: Colorectal cancer, hereditary nonpolyposis, type 5; Hereditary non-polyposis colorectal cancer, type 5. Identifiers: Orphanet 144, MedGen C1833477, MONDO:0013710, OMIM 614350. Disease mechanism: loss of function.
Hereditary cancer-predisposing syndrome. Also called: Tumor predisposition; Neoplastic Syndromes, Hereditary; Hereditary neoplastic syndrome; Hereditary Cancer Syndrome. Identifiers: Orphanet 140162, MedGen C0027672, MeSH D009386, MONDO:0015356.

Submissions (3):

Labcorp Genetics (formerly Invitae), Labcorp
Classification: Likely benign for Hereditary nonpolyposis colorectal neoplasms. Last evaluated: 2025-11-03. Review status: criteria provided, single submitter. Criteria: Invitae Variant Classification Sherloc (09022015). Collection method: clinical testing. Allele origin: germline.

Myriad Genetics, Inc.
Classification: Benign for Lynch syndrome 5. Last evaluated: 2024-12-27. Review status: criteria provided, single submitter. Criteria: Myriad Autosomal Dominant, Autosomal Recessive and X-Linked Classification Criteria (2023). Collection method: clinical testing. Allele origin: unknown.
Comment: This variant is considered benign. This variant is a silent/synonymous amino acid change and it is not expected to impact splicing.

Ambry Genetics
Classification: Likely benign for Hereditary cancer-predisposing syndrome. Last evaluated: 2020-04-23. Review status: criteria provided, single submitter. Criteria: Ambry Variant Classification Scheme 2023. Collection method: clinical testing. Allele origin: germline.